The following is an entry in ClinVar:

ClinVar aggregate classification (germline): Conflicting classifications of pathogenicity. Review status: criteria provided, conflicting classifications (1 of 4 stars). 3 submissions from 3 submitters: Uncertain significance (2); Likely benign (1). Last evaluated 2024-08-17.

Conditions:
Hereditary cancer-predisposing syndrome. Also called: Hereditary neoplastic syndrome; Tumor predisposition; Neoplastic Syndromes, Hereditary; Hereditary Cancer Syndrome. Identifiers: Orphanet 140162, MedGen C0027672, MeSH D009386, MONDO:0015356.
Hereditary breast ovarian cancer syndrome. Also called: Hereditary breast and ovarian cancer; Breast and ovarian cancer; BRCA1- and BRCA2-Associated Hereditary Breast and Ovarian Cancer; Hereditary breast and/or ovarian cancer syndrome; Hereditary breast and ovarian cancer syndrome; Hereditary breast and ovarian cancer syndrome (HBOC). Identifiers: Orphanet 145, MedGen C0677776, MeSH D061325, MONDO:0003582. Disease mechanism: loss of function.

gnomAD v4.1: 1 of 1,614,116 alleles (0.000062%); no homozygotes.

Submissions (3):

Ambry Genetics
Classification: Uncertain significance for Hereditary cancer-predisposing syndrome. Last evaluated: 2024-08-17. Review status: criteria provided, single submitter. Criteria: Ambry Variant Classification Scheme 2023. Collection method: clinical testing. Allele origin: germline.
Comment: The p.D1177V variant (also known as c.3530A>T), located in coding exon 10 of the BRCA2 gene, results from an A to T substitution at nucleotide position 3530. The aspartic acid at codon 1177 is replaced by valine, an amino acid with highly dissimilar properties. This amino acid position is conserved. In addition, this alteration is predicted to be tolerated by in silico analysis. Based on the available evidence, the clinical significance of this variant remains unclear.

University of Washington Department of Laboratory Medicine, University of Washington
Classification: Likely benign for Hereditary cancer-predisposing syndrome. Last evaluated: 2023-03-23. Review status: criteria provided, single submitter. Criteria: Dines et al. (Genet Med. 2020). Collection method: curation. Allele origin: germline.
Comment: Missense variant in a coldspot region where missense variants are very unlikely to be pathogenic (PMID:31911673).

BRCA2 exon 11 coldspot. Reclassification based on statistical prior probability.

Labcorp Genetics (formerly Invitae), Labcorp
Classification: Uncertain significance for Hereditary breast ovarian cancer syndrome. Last evaluated: 2022-12-27. Review status: criteria provided, single submitter. Criteria: Invitae Variant Classification Sherloc (09022015). Collection method: clinical testing. Allele origin: germline.
Comment: This sequence change replaces aspartic acid, which is acidic and polar, with valine, which is neutral and non-polar, at codon 1177 of the BRCA2 protein (p.Asp1177Val). This variant is not present in population databases (gnomAD no frequency). This variant has not been reported in the literature in individuals affected with BRCA2-related conditions. ClinVar contains an entry for this variant (Variation ID: 1502037). Advanced modeling of protein sequence and biophysical properties (such as structural, functional, and spatial information, amino acid conservation, physicochemical variation, residue mobility, and thermodynamic stability) performed at Invitae indicates that this missense variant is not expected to disrupt BRCA2 protein function. In summary, the available evidence is currently insufficient to determine the role of this variant in disease. Therefore, it has been classified as a Variant of Uncertain Significance.

NM_000059.4(BRCA2):c.3530A>T (p.Asp1177Val)

Gene: BRCA2 (BRCA2 DNA repair associated; plus strand). Cytogenetic location: 13q13.1.
Variant type: single nucleotide variant.
Coding change: c.3530A>T on transcript NM_000059.4 (MANE Select); coding-DNA position 3530, A replaced by T.
Protein change: p.Asp1177Val; replaces aspartic acid 1177 with valine.
Molecular consequence: missense variant.
Genome position (GRCh38, 1-based): chr13:32,337,885, A>T. VCF-style: chr13-32337885-A-T. GRCh37 (hg19) VCF-style: chr13-32912022-A-T.
Other names: c.3530A>T (NM_000059.3); short protein forms D1177V.
Identifiers: ClinVar variation 1502037 (VCV001502037.10), dbSNP rs761130568, ClinGen allele CA387777104.